The following is an entry in ClinVar:

ClinVar aggregate classification (germline): Likely benign. Review status: criteria provided, multiple submitters, no conflicts (2 of 4 stars). 2 submissions from 2 submitters: Likely benign (2). Last evaluated 2025-07-01.

Conditions:
Combined immunodeficiency due to ORAI1 deficiency. Also called: IMMUNODEFICIENCY 9. Identifiers: Orphanet 169090, Orphanet 317428, MedGen C2748568, MONDO:0013007, OMIM 612782.
Myopathy, tubular aggregate, 2 (TAM2). Identifiers: MedGen C4014557, MONDO:0014383, OMIM 615883.

Allele frequency attached by ClinVar (database versions not stated): TOPMed 0.00002.

Submissions (2):

Labcorp Genetics (formerly Invitae), Labcorp
Classification: Likely benign for Myopathy, tubular aggregate, 2; Combined immunodeficiency due to ORAI1 deficiency. Last evaluated: 2025-07-01. Review status: criteria provided, single submitter. Criteria: Invitae Variant Classification Sherloc (09022015). Collection method: clinical testing. Allele origin: germline.

CeGaT Center for Human Genetics Tuebingen
Classification: Likely benign. Last evaluated: 2024-02-01. Review status: criteria provided, single submitter. Criteria: CeGaT Center For Human Genetics Tuebingen Variant Classification Criteria Version 2. Collection method: clinical testing. Allele origin: germline. Affected: yes. Observed: 1 variant allele.
Comment: ORAI1: BP4, BP7

NC_000012.12:g.121641214G>A

Gene: ORAI1 (ORAI calcium release-activated calcium modulator 1; plus strand). Cytogenetic location: 12q24.31.
Variant type: single nucleotide variant.
Genome position: GRCh38 VCF-style: chr12-121641214-G-A. GRCh37 (hg19) VCF-style: chr12-122079120-G-A.
Other names: c.477G>A, p.Ser159= (NM_032790.4).
Identifiers: ClinVar variation 1152665 (VCV001152665.31), dbSNP rs547522547, ClinGen allele CA6837498.